The following is an entry in ClinVar:

ClinVar aggregate classification (germline): not provided (0 of 4 stars; one submission).

Conditions:
Preeclampsia. Identifiers: Orphanet 275555, MedGen C0032914, MONDO:0005081, HP:0100602.

Submission:

Institute of Molecular and Cell Biology, University of Tartu
No classification provided. Condition: Preeclampsia. Review status: no classification provided. Collection method: case-control. Allele origin: unknown. Affected: yes. Study: Kasak2014.
Comment: The study aimed to determine the contribution of copy number variants in the genetic etiology of normal and complicated pregnancies. The samples represented (i) maternal blood DNA drawn from healthy pregnant women during 1st or 2nd trimester and (ii) maternal and paternal blood DNA drawn at term pregnancy cases representing normal and complicated gestations (severe preeclampsia, PE; gestational diabetes, GD; small-for-gestational age newborn, SGA; large-for-gestational age newborn, LGA). We performed CNV calling based on genome-wide genotyping dataset (Illumina HumanOmniExpress-24-v1 BeadChip) by applying three algorithms, QuantiSNP, GADA (Genome Alteration Detection Algorithm) and CNstream in parallel. The acquired CNV calls were merged with HD-CNV (Hotspot Detector for Copy Number Variants) program and only the CNVs predicted by at least two programs, were considered in subsequent analysis.

Literature cited by the submitters: PubMed 25666259.

NC_000001.11:g.111383531_111391682del

Variant type: Deletion.
Genome position: GRCh38: chr1:111,383,531-111,391,682. GRCh37 (hg19): chr1:111,926,153-111,934,304.
Identifiers: ClinVar variation 156751 (VCV000156751.3), ClinGen allele CA211960.